The following is an entry in ClinVar:

ClinVar aggregate classification (germline): Uncertain significance (1 of 4 stars; one submission).

Conditions:
Candidiasis, familial, 9 (CANDF9). Identifiers: Orphanet 1334, MedGen C4225324, MONDO:0014642, OMIM 616445.

Allele frequency attached by ClinVar (database versions not stated): gnomAD exomes below 0.00001.
gnomAD v4.1: 1 of 1,607,588 alleles (0.000062%); highest among the groups gnomAD compares: Non-Finnish European, 0.000085%; no homozygotes.

Submission:

Labcorp Genetics (formerly Invitae), Labcorp
Classification: Uncertain significance for Candidiasis, familial, 9. Last evaluated: 2019-09-24. Review status: criteria provided, single submitter. Criteria: Invitae Variant Classification Sherloc (09022015). Collection method: clinical testing. Allele origin: germline.
Comment: In summary, the available evidence is currently insufficient to determine the role of this variant in disease. Therefore, it has been classified as a Variant of Uncertain Significance. Algorithms developed to predict the effect of missense changes on protein structure and function are either unavailable or do not agree on the potential impact of this missense change (SIFT: "Tolerated"; PolyPhen-2: "Probably Damaging"; Align-GVGD: "Class C0"). This variant has not been reported in the literature in individuals with IL17RC-related conditions. This variant is not present in population databases (ExAC no frequency). This sequence change replaces valine with methionine at codon 701 of the IL17RC protein (p.Val701Met). The valine residue is moderately conserved and there is a small physicochemical difference between valine and methionine.

NM_153460.4(IL17RC):c.1888G>A (p.Val630Met)

Gene: IL17RC (interleukin 17 receptor C; plus strand). Cytogenetic location: 3p25.3.
Variant type: single nucleotide variant.
Coding change: c.1888G>A on transcript NM_153460.4 (MANE Select); coding-DNA position 1888, G replaced by A.
Protein change: p.Val630Met; replaces valine 630 with methionine.
Molecular consequence: missense variant. On other transcripts: non-coding transcript variant (1).
Genome position (GRCh38, 1-based): chr3:9,933,318, G>A. VCF-style: chr3-9933318-G-A. GRCh37 (hg19) VCF-style: chr3-9975002-G-A.
Other names: c.1849G>A, p.Val617Met (NM_001203263.2); c.1798G>A, p.Val600Met (NM_001203264.2); c.1792G>A, p.Val598Met (NM_001203265.2); c.1810G>A, p.Val604Met (NM_001367278.1); c.1729G>A, p.Val577Met (NM_001367279.1); c.1804G>A, p.Val602Met (NM_001367280.1); c.1843G>A, p.Val615Met (NM_032732.6); c.2101G>A, p.Val701Met (NM_153461.4); short protein forms V600M, V615M, V617M, V630M, V577M, V598M, V701M, V602M.
Identifiers: ClinVar variation 942500 (VCV000942500.6), dbSNP rs2084972352, ClinGen allele CA351707985.
Genomic context (GRCh38, chr3:9,933,318, plus strand): 5'-CGCGCCTCGCTCAGCTGCGTGCTGCCCGACTTCTTGCAGGGCCGGGCGCCCGGCAGCTAC[G>A]TGGGGGCCTGCTTCGACAGGCTGCTCCACCCGGACGCCGTACCCGCCCTTTTCCGCACCG-3'
Protein context (NP_703190.2, residues 620-640): FLQGRAPGSY[Val630Met]GACFDRLLHP